The following is an entry in ClinVar:

NM_003361.4(UMOD):c.885G>C (p.Gly295=)

Gene: UMOD (uromodulin; minus strand). Cytogenetic location: 16p12.3.
Variant type: single nucleotide variant.
Coding change: c.885G>C on transcript NM_003361.4 (MANE Select); coding-DNA position 885, G replaced by C.
Protein change: p.Gly295=; no amino-acid change (glycine 295 retained).
Molecular consequence: synonymous variant. On other transcripts: non-coding transcript variant (1).
Genome position (GRCh38, 1-based): chr16:20,348,311, C>G on the plus strand (G>C on the coding strand, the complement: UMOD is on the minus strand). VCF-style: chr16-20348311-C-G. GRCh37 (hg19) VCF-style: chr16-20359633-C-G.
Other names: c.885G>C (NM_003361.3); c.885G>C, p.Gly295= (NM_001008389.3, NM_001378232.1, NM_001378233.1 and 3 more transcripts); c.984G>C, p.Gly328= (NM_001278614.2).
Identifiers: ClinVar variation 1969104 (VCV001969104.7), dbSNP rs28544423, ClinGen allele CA7939369.
Genomic context (GRCh38, chr16:20,348,311, plus strand): 5'-GCAGTGCCATCTGCCATTATTCGATTTGCAGTCCTCGTCTATACTGCACTCCTCACACGT[C>G]CCCTCCACGGAGCTGGGGTCTGCAGGGTCACAGGGACAGACAGACAATCAATAAGGACGC-3'
Protein context (NP_003352.2, residues 285-305): AYCTDPSSVE[Gly295=]TCEECSIDED

ClinVar aggregate classification (germline): Likely benign. Review status: criteria provided, single submitter (1 of 4 stars). 2 submissions from 2 submitters: Likely benign (1). 1 of the submissions does not count toward it. Last evaluated 2024-02-14.

Conditions:
UMOD-related disorder. Also called: UMOD-related condition.

Submissions (2):

Labcorp Genetics (formerly Invitae), Labcorp
Classification: Likely benign. Last evaluated: 2024-02-14. Review status: criteria provided, single submitter. Criteria: Invitae Variant Classification Sherloc (09022015). Collection method: clinical testing. Allele origin: germline.

PreventionGenetics, part of Exact Sciences
Classification: Likely benign for UMOD-related condition. Last evaluated: 2023-09-27. Review status: no assertion criteria provided. Collection method: clinical testing. Allele origin: germline. Not counted in ClinVar's aggregate classification.
Comment: This variant is classified as likely benign based on ACMG/AMP sequence variant interpretation guidelines (Richards et al. 2015 PMID: 25741868, with internal and published modifications).